The following is an entry in ClinVar:

ClinVar aggregate classification (germline): Uncertain significance (1 of 4 stars; one submission).

Allele frequency attached by ClinVar (database versions not stated): ExAC 0.00011; gnomAD 0.00020; ESP Exome Variant Server 0.00023; TOPMed 0.00023; 1000 Genomes Project 30x 0.00094; 1000 Genomes Project 0.00100.
gnomAD v4.1: 53 of 1,614,206 alleles (0.0033%); highest among the groups gnomAD compares: African/African-American, 0.06%; no homozygotes.

Submission:

Labcorp Genetics (formerly Invitae), Labcorp
Classification: Uncertain significance. Last evaluated: 2024-01-13. Review status: criteria provided, single submitter. Criteria: Invitae Variant Classification Sherloc (09022015). Collection method: clinical testing. Allele origin: germline.
Comment: This sequence change replaces glycine, which is neutral and non-polar, with valine, which is neutral and non-polar, at codon 490 of the NECTIN4 protein (p.Gly490Val). This variant is present in population databases (rs144643155, gnomAD 0.08%). This variant has not been reported in the literature in individuals affected with NECTIN4-related conditions. An algorithm developed to predict the effect of missense changes on protein structure and function (PolyPhen-2) suggests that this variant is likely to be disruptive. In summary, the available evidence is currently insufficient to determine the role of this variant in disease. Therefore, it has been classified as a Variant of Uncertain Significance.

NM_030916.3(NECTIN4):c.1469G>T (p.Gly490Val)

Gene: NECTIN4 (nectin cell adhesion molecule 4; minus strand). Cytogenetic location: 1q23.3.
Variant type: single nucleotide variant.
Coding change: c.1469G>T on transcript NM_030916.3 (MANE Select); coding-DNA position 1469, G replaced by T.
Protein change: p.Gly490Val; replaces glycine 490 with valine.
Molecular consequence: missense variant.
Genome position (GRCh38, 1-based): chr1:161,072,725, C>A on the plus strand (G>T on the coding strand, the complement: NECTIN4 is on the minus strand). VCF-style: chr1-161072725-C-A. GRCh37 (hg19) VCF-style: chr1-161042515-C-A.
Other names: short protein forms G490V.
Identifiers: ClinVar variation 2713305 (VCV002713305.3), dbSNP rs144643155, ClinGen allele CA1204787.
Genomic context (GRCh38, chr1:161,072,725, plus strand): 5'-ACCAGGTGTCCCCGCCCATTGATGTAGATGCCATTGCCCGTGGGCTTGGCCCGTAGGGTC[C>A]CATTCTCCTGAACAAAATGGTTCATGGCCTGTTTGATGCCTTCATCCTGATCTTCCTCCT-3'
Protein context (NP_112178.2, residues 480-500): QAMNHFVQEN[Gly490Val]TLRAKPTGNG